The following is an entry in ClinVar:

ClinVar aggregate classification (germline): Uncertain significance (1 of 4 stars; one submission).

Submission:

Ambry Genetics
Classification: Uncertain significance. Last evaluated: 2024-01-11. Review status: criteria provided, single submitter. Criteria: Ambry Variant Classification Scheme 2023. Collection method: clinical testing. Allele origin: germline.
Comment: The p.G984R variant (also known as c.2950G>C), located in coding exon 26 of the KIF1B gene, results from a G to C substitution at nucleotide position 2950. The glycine at codon 984 is replaced by arginine, an amino acid with dissimilar properties. This amino acid position is conserved. In addition, this alteration is predicted to be deleterious by in silico analysis. Since supporting evidence is limited at this time, the clinical significance of this alteration remains unclear.

NM_001365951.3(KIF1B):c.3088G>C (p.Gly1030Arg)

Gene: KIF1B (kinesin family member 1B; plus strand). Cytogenetic location: 1p36.22.
Variant type: single nucleotide variant.
Coding change: c.3088G>C on transcript NM_001365951.3 (MANE Select); coding-DNA position 3088, G replaced by C.
Protein change: p.Gly1030Arg; replaces glycine 1030 with arginine.
Molecular consequence: missense variant.
Genome position (GRCh38, 1-based): chr1:10,336,701, G>C. VCF-style: chr1-10336701-G-C. GRCh37 (hg19) VCF-style: chr1-10396759-G-C.
Other names: c.3088G>C, p.Gly1030Arg (NM_001365952.1); c.2950G>C, p.Gly984Arg (NM_015074.3); short protein forms G1030R, G984R.
Identifiers: ClinVar variation 3226428 (VCV003226428.1), dbSNP rs2521715788, ClinGen allele CA338339370.